The following is an entry in ClinVar:

NM_024757.5(EHMT1):c.2857G>T (p.Asp953Tyr)

Gene: EHMT1 (euchromatic histone lysine methyltransferase 1; plus strand). Cytogenetic location: 9q34.3.
Variant type: single nucleotide variant.
Coding change: c.2857G>T on transcript NM_024757.5 (MANE Select); coding-DNA position 2857, G replaced by T.
Protein change: p.Asp953Tyr; replaces aspartic acid 953 with tyrosine.
Molecular consequence: missense variant.
Genome position (GRCh38, 1-based): chr9:137,811,605, G>T. VCF-style: chr9-137811605-G-T. GRCh37 (hg19) VCF-style: chr9-140706057-G-T.
Other names: c.2836G>T, p.Asp946Tyr (NM_001354263.2); short protein forms D946Y, D953Y.
Identifiers: ClinVar variation 1476423 (VCV001476423.6), dbSNP rs545307226, ClinGen allele CA375792076.
Genomic context (GRCh38, chr9:137,811,605, plus strand): 5'-CACGCCGTGAACATCCACGGAGACTCGCCACTGCACATTGCCGCCCGGGAGAACCGCTAC[G>T]ACTGTGTCGTGTGAGTGCAGTGCTTCCCCCAGCGCGGGCTGGCGCTGACCTGACCTGGGC-3'
Protein context (NP_079033.4, residues 943-963): LHIAARENRY[Asp953Tyr]CVVLFLSRDS

ClinVar aggregate classification (germline): Uncertain significance (1 of 4 stars; one submission).

Conditions:
Kleefstra syndrome 1 (KLEFS1). Identifiers: Orphanet 261494, MedGen C0795833, MONDO:0027407, OMIM 610253.

Submission:

Labcorp Genetics (formerly Invitae), Labcorp
Classification: Uncertain significance for Kleefstra syndrome 1. Last evaluated: 2022-07-12. Review status: criteria provided, single submitter. Criteria: Invitae Variant Classification Sherloc (09022015). Collection method: clinical testing. Allele origin: germline.
Comment: Algorithms developed to predict the effect of missense changes on protein structure and function are either unavailable or do not agree on the potential impact of this missense change (SIFT: "Deleterious"; PolyPhen-2: "Possibly Damaging"; Align-GVGD: "Class C0"). In summary, the available evidence is currently insufficient to determine the role of this variant in disease. Therefore, it has been classified as a Variant of Uncertain Significance. ClinVar contains an entry for this variant (Variation ID: 1476423). This variant has not been reported in the literature in individuals affected with EHMT1-related conditions. This variant is not present in population databases (gnomAD no frequency). This sequence change replaces aspartic acid, which is acidic and polar, with tyrosine, which is neutral and polar, at codon 953 of the EHMT1 protein (p.Asp953Tyr).